The following is an entry in ClinVar:

ClinVar aggregate classification (germline): Uncertain significance. Review status: criteria provided, multiple submitters, no conflicts (2 of 4 stars). 2 submissions from 2 submitters: Uncertain significance (2). Last evaluated 2023-02-01.

Submissions (2):

Labcorp Genetics (formerly Invitae), Labcorp
Classification: Uncertain significance. Last evaluated: 2023-02-01. Review status: criteria provided, single submitter. Criteria: Invitae Variant Classification Sherloc (09022015). Collection method: clinical testing. Allele origin: germline.
Comment: In summary, the available evidence is currently insufficient to determine the role of this variant in disease. Therefore, it has been classified as a Variant of Uncertain Significance. Advanced modeling of protein sequence and biophysical properties (such as structural, functional, and spatial information, amino acid conservation, physicochemical variation, residue mobility, and thermodynamic stability) has been performed at Invitae for this missense variant, however the output from this modeling did not meet the statistical confidence thresholds required to predict the impact of this variant on ADCY5 protein function. This variant has not been reported in the literature in individuals affected with ADCY5-related conditions. This variant is not present in population databases (gnomAD no frequency). This sequence change replaces aspartic acid, which is acidic and polar, with glycine, which is neutral and non-polar, at codon 1114 of the ADCY5 protein (p.Asp1114Gly).

GeneDx
Classification: Uncertain significance. Last evaluated: 2022-12-05. Review status: criteria provided, single submitter. Criteria: GeneDx Variant Classification Process June 2021. Collection method: clinical testing. Allele origin: germline. Affected: yes.
Comment: Not observed at significant frequency in large population cohorts (gnomAD); In silico analysis supports that this missense variant has a deleterious effect on protein structure/function; Has not been previously published as pathogenic or benign to our knowledge

NM_183357.3(ADCY5):c.3341A>G (p.Asp1114Gly)

Gene: ADCY5 (adenylate cyclase 5; minus strand). Cytogenetic location: 3q21.1.
Variant type: single nucleotide variant.
Coding change: c.3341A>G on transcript NM_183357.3 (MANE Select); coding-DNA position 3341, A replaced by G.
Protein change: p.Asp1114Gly; replaces aspartic acid 1114 with glycine.
Molecular consequence: missense variant.
Genome position (GRCh38, 1-based): chr3:123,289,941, T>C on the plus strand (A>G on the coding strand, the complement: ADCY5 is on the minus strand). VCF-style: chr3-123289941-T-C. GRCh37 (hg19) VCF-style: chr3-123008788-T-C.
Other names: c.2291A>G, p.Asp764Gly (NM_001199642.1); c.3416A>G, p.Asp1139Gly (NM_001378259.1); short protein forms D1114G, D1139G, D764G.
Identifiers: ClinVar variation 2504268 (VCV002504268.4), dbSNP rs2472622520, ClinGen allele CA354223266.